The following is an entry in ClinVar:

NM_005518.4(HMGCS2):c.656G>A (p.Gly219Glu)

Gene: HMGCS2 (3-hydroxy-3-methylglutaryl-CoA synthase 2; minus strand). Cytogenetic location: 1p12.
Variant type: single nucleotide variant.
Coding change: c.656G>A on transcript NM_005518.4 (MANE Select); coding-DNA position 656, G replaced by A.
Protein change: p.Gly219Glu; replaces glycine 219 with glutamic acid.
Molecular consequence: missense variant. On other transcripts: intron variant (1).
Genome position (GRCh38, 1-based): chr1:119,759,893, C>T on the plus strand (G>A on the coding strand, the complement: HMGCS2 is on the minus strand). VCF-style: chr1-119759893-C-T. GRCh37 (hg19) VCF-style: chr1-120302516-C-T.
Other names: c.560-611G>A (NM_001166107.1); short protein forms G219E.
Identifiers: ClinVar variation 3896593 (VCV003896593.2).

ClinVar aggregate classification (germline): Likely pathogenic (1 of 4 stars; one submission).

Conditions:
3-hydroxy-3-methylglutaryl-CoA synthase deficiency (HMGCS2D). Also called: HMG-CoA synthase-2 deficiency; HMGCS2 DEFICIENCY; MITOCHONDRIAL HMG-CoA SYNTHASE DEFICIENCY. Identifiers: Orphanet 35701, MedGen C2751532, MONDO:0011614, OMIM 605911.

gnomAD v4.1: 14 of 1,614,040 alleles (0.00087%); highest among the groups gnomAD compares: Non-Finnish European, 0.0012%; no homozygotes.

Submission:

Women's Health and Genetics/Laboratory Corporation of America, LabCorp
Classification: Likely pathogenic for 3-hydroxy-3-methylglutaryl-CoA synthase deficiency. Last evaluated: 2025-04-28. Review status: criteria provided, single submitter. Criteria: LabCorp Variant Classification Summary - May 2015. Collection method: clinical testing. Allele origin: germline.
Comment: Variant summary: HMGCS2 c.656G>A (p.Gly219Glu) results in a non-conservative amino acid change in the encoded protein sequence. Five of five in-silico tools predict a damaging effect of the variant on protein function. The variant allele was found at a frequency of 8e-06 in 251110 control chromosomes. c.656G>A has been observed in the presumed compound heterozygous state in at least 1 individual affected with 3-hydroxy-3-methylglutaryl-CoA synthase deficiency (example: Ago_2020). At least 1 publication reports experimental evidence evaluating an impact on protein function. The most pronounced variant effect results in <10% of normal activity compared to wild type in vitro and severely reduced protein levels and/or protein stability (example: Ago_2020). The following publication has been ascertained in the context of this evaluation (PMID: 32952630). No submitters have cited clinical-significance assessments for this variant to ClinVar. Based on the evidence outlined above, the variant was classified as likely pathogenic.

Literature cited by the submitters: PubMed 32952630.